The following is an entry in ClinVar:

ClinVar aggregate classification (germline): Uncertain significance (1 of 4 stars; one submission).

Allele frequency attached by ClinVar (database versions not stated): TOPMed 0.00001; ExAC 0.00002; gnomAD 0.00002; gnomAD exomes 0.00002.
gnomAD v4.1: 31 of 1,612,132 alleles (0.0019%); highest among the groups gnomAD compares: South Asian, 0.012%; no homozygotes.

Submission:

Labcorp Genetics (formerly Invitae), Labcorp
Classification: Uncertain significance. Last evaluated: 2022-07-23. Review status: criteria provided, single submitter. Criteria: Invitae Variant Classification Sherloc (09022015). Collection method: clinical testing. Allele origin: germline.
Comment: This sequence change replaces alanine, which is neutral and non-polar, with valine, which is neutral and non-polar, at codon 120 of the RPL35 protein (p.Ala120Val). This variant is present in population databases (rs760565730, gnomAD 0.01%). This variant has not been reported in the literature in individuals affected with RPL35-related conditions. Algorithms developed to predict the effect of missense changes on protein structure and function are either unavailable or do not agree on the potential impact of this missense change (SIFT: "Deleterious"; PolyPhen-2: "Benign"; Align-GVGD: "Class C0"). In summary, the available evidence is currently insufficient to determine the role of this variant in disease. Therefore, it has been classified as a Variant of Uncertain Significance.

NM_007209.4(RPL35):c.359C>T (p.Ala120Val)

Gene: RPL35 (ribosomal protein L35; minus strand). Cytogenetic location: 9q33.3.
Variant type: single nucleotide variant.
Coding change: c.359C>T on transcript NM_007209.4 (MANE Select); coding-DNA position 359, C replaced by T.
Protein change: p.Ala120Val; replaces alanine 120 with valine.
Molecular consequence: missense variant.
Genome position (GRCh38, 1-based): chr9:124,857,931, G>A on the plus strand (C>T on the coding strand, the complement: RPL35 is on the minus strand). VCF-style: chr9-124857931-G-A. GRCh37 (hg19) VCF-style: chr9-127620210-G-A.
Other names: short protein forms A120V.
Identifiers: ClinVar variation 2143417 (VCV002143417.4), dbSNP rs760565730, ClinGen allele CA5237166.